The following is an entry in ClinVar:

ClinVar aggregate classification (germline): Uncertain significance (1 of 4 stars; one submission).

Conditions:
PEX16-related disorder. Also called: PEX16-related condition.

Submission:

PreventionGenetics, part of Exact Sciences
Classification: Uncertain significance for PEX16-related condition. Last evaluated: 2023-03-31. Review status: criteria provided, single submitter. Criteria: ACMG Guidelines, 2015. Collection method: clinical testing. Allele origin: germline.
Comment: The PEX16 c.620G>C variant is predicted to result in the amino acid substitution p.Ser207Thr. To our knowledge, this variant has not been reported in the literature or in a large population database, indicating this variant is rare. At this time, the clinical significance of this variant is uncertain due to the absence of conclusive functional and genetic evidence.

NM_004813.4(PEX16):c.620G>C (p.Ser207Thr)

Gene: PEX16 (peroxisomal biogenesis factor 16; minus strand). Cytogenetic location: 11p11.2.
Variant type: single nucleotide variant.
Coding change: c.620G>C on transcript NM_004813.4 (MANE Select); coding-DNA position 620, G replaced by C.
Protein change: p.Ser207Thr; replaces serine 207 with threonine.
Molecular consequence: missense variant.
Genome position (GRCh38, 1-based): chr11:45,914,390, C>G on the plus strand (G>C on the coding strand, the complement: PEX16 is on the minus strand). VCF-style: chr11-45914390-C-G. GRCh37 (hg19) VCF-style: chr11-45935941-C-G.
Other names: c.620G>C, p.Ser207Thr (NM_057174.3); short protein forms S207T.
Identifiers: ClinVar variation 2633728 (VCV002633728.1), dbSNP rs2086810794, ClinGen allele CA380227045.